The following is an entry in ClinVar:

ClinVar aggregate classification (germline): Uncertain significance (1 of 4 stars; one submission).

Conditions:
Neurofibromatosis, type 1 (NF1). Also called: Neurofibromatosis, type I; NEUROFIBROMATOSIS, TYPE I, SOMATIC; Peripheral type neurofibromatosis; VON RECKLINGHAUSEN DISEASE. Identifiers: Orphanet 636, MedGen C0027831, MONDO:0018975, OMIM 162200. Disease mechanism: loss of function.

Submission:

Labcorp Genetics (formerly Invitae), Labcorp
Classification: Uncertain significance for Neurofibromatosis, type 1. Last evaluated: 2023-05-15. Review status: criteria provided, single submitter. Criteria: Invitae Variant Classification Sherloc (09022015). Collection method: clinical testing. Allele origin: germline.
Comment: In summary, the available evidence is currently insufficient to determine the role of this variant in disease. Therefore, it has been classified as a Variant of Uncertain Significance. Advanced modeling of protein sequence and biophysical properties (such as structural, functional, and spatial information, amino acid conservation, physicochemical variation, residue mobility, and thermodynamic stability) performed at Invitae indicates that this missense variant is not expected to disrupt NF1 protein function. This variant has not been reported in the literature in individuals affected with NF1-related conditions. This variant is not present in population databases (gnomAD no frequency). This sequence change replaces leucine, which is neutral and non-polar, with valine, which is neutral and non-polar, at codon 252 of the NF1 protein (p.Leu252Val).

NM_001042492.3(NF1):c.754T>G (p.Leu252Val)

Gene: NF1 (neurofibromin 1; plus strand). Cytogenetic location: 17q11.2.
Variant type: single nucleotide variant.
Coding change: c.754T>G on transcript NM_001042492.3 (MANE Select); coding-DNA position 754, T replaced by G.
Protein change: p.Leu252Val; replaces leucine 252 with valine.
Molecular consequence: missense variant.
Genome position (GRCh38, 1-based): chr17:31,182,531, T>G. VCF-style: chr17-31182531-T-G. GRCh37 (hg19) VCF-style: chr17-29509549-T-G.
Other names: c.754T>G, p.Leu252Val (NM_000267.4, NM_001128147.3); short protein forms L252V.
Identifiers: ClinVar variation 2864312 (VCV002864312.3), dbSNP rs2143785138, ClinGen allele CA398990632.